The following is an entry in ClinVar:

ClinVar aggregate classification (germline): Likely pathogenic (1 of 4 stars; one submission).

Allele frequency attached by ClinVar (database versions not stated): TOPMed below 0.00001.

Submission:

GeneDx
Classification: Likely pathogenic. Last evaluated: 2017-05-18. Review status: criteria provided, single submitter. Criteria: GeneDx Variant Classification (06012015). Collection method: clinical testing. Allele origin: germline. Affected: yes.
Comment: The P1831S variant in the HCFC1 gene has not been reported previously as a pathogenic variant, nor as a benign variant, to our knowledge. The P1831S variant is not observed in large population cohorts (Lek et al., 2016; 1000 Genomes Consortium et al., 2015; Exome Variant Server). The P1831S variant is a non-conservative amino acid substitution, which is likely to impact secondary protein structure as these residues differ in polarity, charge, size and/or other properties. Additionally, this substitution occurs at a position that is conserved across species and in silico analysis predicts this variant is probably damaging to the protein structure/function. We interpret P1831S as a likely pathogenic variant.

NM_005334.3(HCFC1):c.5491C>T (p.Pro1831Ser)

Gene: HCFC1 (host cell factor C1; minus strand). Cytogenetic location: Xq28.
Variant type: single nucleotide variant.
Coding change: c.5491C>T on transcript NM_005334.3 (MANE Select); coding-DNA position 5491, C replaced by T.
Protein change: p.Pro1831Ser; replaces proline 1831 with serine.
Molecular consequence: missense variant.
Genome position (GRCh38, 1-based): chrX:153,951,376, G>A on the plus strand (C>T on the coding strand, the complement: HCFC1 is on the minus strand). VCF-style: chrX-153951376-G-A. GRCh37 (hg19) VCF-style: chrX-153216827-G-A.
Other names: short protein forms P1831S.
Identifiers: ClinVar variation 429997 (VCV000429997.2), dbSNP rs1131691718, ClinGen allele CA415104008.